The following is an entry in ClinVar:

ClinVar aggregate classification (germline): Uncertain significance (1 of 4 stars; one submission).

Allele frequency attached by ClinVar (database versions not stated): gnomAD exomes below 0.00001.

Submission:

Labcorp Genetics (formerly Invitae), Labcorp
Classification: Uncertain significance. Last evaluated: 2022-07-15. Review status: criteria provided, single submitter. Criteria: Invitae Variant Classification Sherloc (09022015). Collection method: clinical testing. Allele origin: germline.
Comment: In summary, the available evidence is currently insufficient to determine the role of this variant in disease. Therefore, it has been classified as a Variant of Uncertain Significance. Algorithms developed to predict the effect of missense changes on protein structure and function (SIFT, PolyPhen-2, Align-GVGD) all suggest that this variant is likely to be tolerated. This variant has not been reported in the literature in individuals affected with SBF1-related conditions. This variant is not present in population databases (gnomAD no frequency). This sequence change replaces arginine, which is basic and polar, with serine, which is neutral and polar, at codon 1577 of the SBF1 protein (p.Arg1577Ser).

NM_002972.4(SBF1):c.4731G>T (p.Arg1577Ser)

Gene: SBF1 (SET binding factor 1; minus strand). Cytogenetic location: 22q13.33.
Variant type: single nucleotide variant.
Coding change: c.4731G>T on transcript NM_002972.4 (MANE Select); coding-DNA position 4731, G replaced by T.
Protein change: p.Arg1577Ser; replaces arginine 1577 with serine.
Molecular consequence: missense variant.
Genome position (GRCh38, 1-based): chr22:50,454,895, C>A on the plus strand (G>T on the coding strand, the complement: SBF1 is on the minus strand). VCF-style: chr22-50454895-C-A. GRCh37 (hg19) VCF-style: chr22-50893324-C-A.
Other names: c.4656G>T, p.Arg1552Ser (NM_001365819.1); c.4734G>T, p.Arg1578Ser (NM_001410794.1); c.4653G>T, p.Arg1551Ser (NM_001410795.1); c.4731G>T, p.Arg1577Ser (NM_197971.1); short protein forms R1552S, R1551S, R1577S, R1578S.
Identifiers: ClinVar variation 2117060 (VCV002117060.4), dbSNP rs760744805, ClinGen allele CA325528010.